The following is an entry in ClinVar:

ClinVar aggregate classification (germline): Conflicting classifications of pathogenicity. Review status: criteria provided, conflicting classifications (1 of 4 stars). 9 submissions from 9 submitters: Uncertain significance (5); Likely benign (2). 2 of the submissions do not count toward it. Last evaluated 2025-05-09.

Conditions:
Hereditary breast ovarian cancer syndrome. Also called: Hereditary breast and ovarian cancer syndrome; Hereditary breast and ovarian cancer; Hereditary breast and ovarian cancer syndrome (HBOC); Breast and ovarian cancer; Hereditary breast and/or ovarian cancer syndrome; BRCA1- and BRCA2-Associated Hereditary Breast and Ovarian Cancer. Identifiers: Orphanet 145, MedGen C0677776, MeSH D061325, MONDO:0003582. Disease mechanism: loss of function.
Breast-ovarian cancer, familial, susceptibility to, 2 (BROVCA2). Also called: BRCA2 Hereditary Breast and Ovarian Cancer. Identifiers: Orphanet 145, MedGen C2675520, MONDO:0012933, OMIM 612555. Disease mechanism: loss of function.
BRCA2-related cancer predisposition. Identifiers: MedGen CN377758, MONDO:0700269.
Hereditary cancer-predisposing syndrome. Also called: Neoplastic Syndromes, Hereditary; Tumor predisposition; Hereditary Cancer Syndrome; Hereditary neoplastic syndrome. Identifiers: Orphanet 140162, MedGen C0027672, MeSH D009386, MONDO:0015356.

Allele frequency attached by ClinVar (database versions not stated): gnomAD exomes below 0.00001; TOPMed below 0.00001; ExAC 0.00001; gnomAD 0.00001; 1000 Genomes Project 0.00020; 1000 Genomes Project 30x 0.00031.
gnomAD v4.1: 1 of 1,613,914 alleles (0.000062%); highest among the groups gnomAD compares: Admixed American, 0.0017%; no homozygotes.

Submissions (9):

ARUP Laboratories, Molecular Genetics and Genomics, ARUP Laboratories
Classification: Likely benign. Last evaluated: 2025-05-09. Review status: criteria provided, single submitter. Criteria: ARUP Molecular Germline Variant Investigation Process 2024. Collection method: clinical testing. Allele origin: germline.

Ambry Genetics
Classification: Uncertain significance for Hereditary cancer-predisposing syndrome. Last evaluated: 2025-01-16. Review status: criteria provided, single submitter. Criteria: Ambry Variant Classification Scheme 2023. Collection method: clinical testing. Allele origin: germline.
Comment: The p.N404I variant (also known as c.1211A>T), located in coding exon 9 of the BRCA2 gene, results from an A to T substitution at nucleotide position 1211. The asparagine at codon 404 is replaced by isoleucine, an amino acid with dissimilar properties. This alteration has been identified in an individual diagnosed with breast cancer (Li G et al. J. Cancer Res. Clin. Oncol. 2017 Oct;143:2011-2024). This amino acid position is not well conserved in available vertebrate species. In addition, this alteration is predicted to be tolerated by in silico analysis. Based on the available evidence, the clinical significance of this variant remains unclear.

Color Diagnostics, LLC DBA Color Health
Classification: Uncertain significance for Hereditary cancer-predisposing syndrome. Last evaluated: 2024-11-05. Review status: criteria provided, single submitter. Criteria: ACMG Guidelines, 2015. Collection method: clinical testing. Allele origin: germline.
Comment: This missense variant replaces asparagine with isoleucine at codon 404 of the BRCA2 protein. Computational prediction suggests that this variant may not impact protein structure and function. To our knowledge, functional studies have not been reported for this variant. This variant has been reported in an individual affected with breast cancer, and detected in a breast cancer case-control meta-analysis in 1/60466 cases and 0/53461 unaffected individuals (PMID: 28664449, 33471991; Leiden Open Variation Database DB-ID BRCA2_007124). This variant has been identified in 1/249988 chromosomes in the general population by the Genome Aggregation Database (gnomAD). The available evidence is insufficient to determine the role of this variant in disease conclusively. Therefore, this variant is classified as a Variant of Uncertain Significance.

All of Us Research Program, National Institutes of Health
Classification: Uncertain significance for BRCA2-related cancer predisposition. Last evaluated: 2024-06-11. Review status: criteria provided, single submitter. Criteria: ACMG Guidelines, 2015. Collection method: clinical testing. Allele origin: germline. Inheritance: Autosomal dominant inheritance. Observed: 1 variant allele, 1 heterozygote.
Comment: This study involves interpretation of variants in research participants for the purpose of population health screening. Participant phenotype was not available at the time of variant classification. Additional details can be found in publication PMID: 35346344, PMCID: PMC8962531

Labcorp Genetics (formerly Invitae), Labcorp
Classification: Uncertain significance for Hereditary breast ovarian cancer syndrome. Last evaluated: 2024-03-13. Review status: criteria provided, single submitter. Criteria: Invitae Variant Classification Sherloc (09022015). Collection method: clinical testing. Allele origin: germline.
Comment: This sequence change replaces asparagine, which is neutral and polar, with isoleucine, which is neutral and non-polar, at codon 404 of the BRCA2 protein (p.Asn404Ile). This variant is present in population databases (rs80358414, gnomAD 0.003%). This missense change has been observed in individual(s) with breast cancer (PMID: 28664449). ClinVar contains an entry for this variant (Variation ID: 51082). Advanced modeling of protein sequence and biophysical properties (such as structural, functional, and spatial information, amino acid conservation, physicochemical variation, residue mobility, and thermodynamic stability) performed at Invitae indicates that this missense variant is not expected to disrupt BRCA2 protein function with a negative predictive value of 95%. In summary, the available evidence is currently insufficient to determine the role of this variant in disease. Therefore, it has been classified as a Variant of Uncertain Significance.

University of Washington Department of Laboratory Medicine, University of Washington
Classification: Likely benign for Hereditary cancer-predisposing syndrome. Last evaluated: 2023-03-23. Review status: criteria provided, single submitter. Criteria: Dines et al. (Genet Med. 2020). Collection method: curation. Allele origin: germline.
Comment: Missense variant in a coldspot region where missense variants are very unlikely to be pathogenic (PMID:31911673).

BRCA2 exon 10 coldspot. Reclassification based on statistical prior probability.

Women's Health and Genetics/Laboratory Corporation of America, LabCorp
Classification: Uncertain significance. Last evaluated: 2017-06-06. Review status: criteria provided, single submitter. Criteria: LabCorp Variant Classification Summary - May 2015. Collection method: clinical testing. Allele origin: germline.
Comment: Variant summary: The BRCA2 c.1211A>T (p.Asn404Ile) variant involves the alteration of a conserved nucleotide and 3/5 in silico tools predict a damaging outcome for this variant. However, these predictions have yet to be functionally assessed. This variant was found in 1/120776 control chromosomes at a frequency of 0.0000083, which does not exceed the estimated maximal expected allele frequency of a pathogenic BRCA2 variant (0.0007503). In addition, one clinical diagnostic laboratory and a reputable database classified this variant as uncertain significance. The variant of interest has not, to our knowledge, been reported in affected individuals via publications; nor evaluated for functional impact by in vivo/vitro studies. Because of the absence of clinical information and the lack of functional studies, the variant is classified as a "Variant of Uncertain Significance (VUS)," until additional information becomes available.

Breast Cancer Information Core (BIC) (BRCA2)
Classification: Uncertain significance for Breast-ovarian cancer, familial 2. Last evaluated: 2002-05-29. Review status: no assertion criteria provided. Collection method: clinical testing. Allele origin: germline. Affected: yes. Observed: 1 variant allele. Not counted in ClinVar's aggregate classification.

Department of Pathology and Laboratory Medicine, Sinai Health System
Classification: Uncertain significance. Review status: no assertion criteria provided. Collection method: clinical testing. Allele origin: unknown. Affected: yes. Study: The Canadian Open Genetics Repository (COGR). Not counted in ClinVar's aggregate classification.
Comment: The BRCA2 p.Asn404Ile variant was not identified in the literature nor was it identified in the GeneInsight-COGR, Cosmic, MutDB, LOVD 3.0, UMD-LSDB, ARUP Laboratories, or Zhejiang Colon Cancer Database. The variant was identified in dbSNP (ID: rs80358414) â€šÃ„ÃºWith Uncertain significance alleleâ€šÃ„Ã¹, ClinVar (classified uncertain significance by BIC, and classification not provided by Invitae), Clinvitae (1x), BIC Database (1x, clinical importance unknown, classification pending), and in control databases in 1 of 245688 chromosomes at a frequency of 0.000004 (Genome Aggregation Database Feb 27, 2017). Breakdown of the observations by population include Latino in 1 of 33524 chromosomes (freq: 0.00003), while not observed in the African, Other, European Non-Finnish, Ashkenazi Jewish, East Asian, European Finnish, and South Asian populations. The p.Asn404 residue is not conserved in mammals and computational analyses (PolyPhen-2, SIFT, AlignGVGD, BLOSUM, MutationTaster) provide inconsistent predictions regarding the variant Ile impact to the protein; this information is not very predictive of pathogenicity. The variant occurs outside of the splicing consensus sequence and in silico or computational prediction software programs (SpliceSiteFinder, MaxEntScan, NNSPLICE, GeneSplicer, HumanSpliceFinder) do not predict a difference in splicing. In summary, based on the above information the clinical significance of this variant cannot be determined with certainty at this time. This variant is classified as a variant of uncertain significance.

Literature cited by the submitters: PubMed 28664449 (cited by 3 submitters); PubMed 33471991 (cited by Color Diagnostics, LLC DBA Color Health).

NM_000059.4(BRCA2):c.1211A>T (p.Asn404Ile)

Gene: BRCA2 (BRCA2 DNA repair associated; plus strand). Cytogenetic location: 13q13.1.
Variant type: single nucleotide variant.
Coding change: c.1211A>T on transcript NM_000059.4 (MANE Select); coding-DNA position 1211, A replaced by T.
Protein change: p.Asn404Ile; replaces asparagine 404 with isoleucine.
Molecular consequence: missense variant.
Genome position (GRCh38, 1-based): chr13:32,332,689, A>T. VCF-style: chr13-32332689-A-T. GRCh37 (hg19) VCF-style: chr13-32906826-A-T.
Other names: short protein forms N404I.
Identifiers: ClinVar variation 51082 (VCV000051082.22), dbSNP rs80358414, ClinGen allele CA011175.